The following is an entry in ClinVar:

NM_025215.6(PUS1):c.393T>G (p.Gly131=)

Genes: PUS1 (pseudouridine synthase 1; plus strand), LOC132090059 (Neanderthal introgressed variant-containing enhancer experimental_25941; plus strand). Cytogenetic location: 12q24.33.
Variant type: single nucleotide variant.
Coding change: c.393T>G on transcript NM_025215.6 (MANE Select); coding-DNA position 393, T replaced by G.
Protein change: p.Gly131=; no amino-acid change (glycine 131 retained).
Molecular consequence: synonymous variant.
Genome position (GRCh38, 1-based): chr12:131,932,264, T>G. VCF-style: chr12-131932264-T-G. GRCh37 (hg19) VCF-style: chr12-132416809-T-G.
Other names: c.309T>G, p.Gly103= (NM_001002019.3, NM_001002020.3).
Identifiers: ClinVar variation 1088904 (VCV001088904.33), dbSNP rs773761918, ClinGen allele CA6884108.

ClinVar aggregate classification (germline): Likely benign. Review status: criteria provided, multiple submitters, no conflicts (2 of 4 stars). 2 submissions from 2 submitters: Likely benign (2). Last evaluated 2022-11-01.

Allele frequency attached by ClinVar (database versions not stated): gnomAD exomes below 0.00001; ExAC 0.00001; gnomAD 0.00001.
gnomAD v4.1: 6 of 1,613,912 alleles (0.00037%); highest among the groups gnomAD compares: Non-Finnish European, 0.00051%; no homozygotes.

Submissions (2):

CeGaT Center for Human Genetics Tuebingen
Classification: Likely benign. Last evaluated: 2022-11-01. Review status: criteria provided, single submitter. Criteria: CeGaT Center For Human Genetics Tuebingen Variant Classification Criteria Version 2. Collection method: clinical testing. Allele origin: germline. Affected: yes. Observed: 1 variant allele.
Comment: PUS1: BP4, BP7

Labcorp Genetics (formerly Invitae), Labcorp
Classification: Likely benign. Last evaluated: 2022-05-04. Review status: criteria provided, single submitter. Criteria: Invitae Variant Classification Sherloc (09022015). Collection method: clinical testing. Allele origin: germline.